The following is an entry in ClinVar:

ClinVar aggregate classification (germline): Conflicting classifications of pathogenicity. Review status: criteria provided, conflicting classifications (1 of 4 stars). 2 submissions from 2 submitters: Likely pathogenic (1); Uncertain significance (1). Last evaluated 2020-02-27.

Conditions:
Primary ciliary dyskinesia 7. Also called: CILIARY DYSKINESIA, PRIMARY, 7, WITH OR WITHOUT SITUS INVERSUS. Identifiers: Orphanet 244, MedGen C2678473, MONDO:0012748, OMIM 611884.

Submissions (2):

Center for Genomics, Ann and Robert H. Lurie Children's Hospital of Chicago
Classification: Likely pathogenic for Primary ciliary dyskinesia 7. Last evaluated: 2020-02-27. Review status: criteria provided, single submitter. Criteria: ACMG Guidelines, 2015. Collection method: clinical testing. Allele origin: unknown. Inheritance: Autosomal recessive inheritance. Affected: yes.

GeneDx
Classification: Uncertain significance. Last evaluated: 2019-04-30. Review status: criteria provided, single submitter. Criteria: GeneDx Variant Classification Process June 2021. Collection method: clinical testing. Allele origin: germline. Affected: yes.
Comment: Not observed in large population cohorts (Lek et al., 2016); In-frame insertion of 7 amino acids in a non-repeat region, leading to the addition of 7 amino acids at the C-terminus; Has not been previously published as pathogenic or benign to our knowledge

NM_001277115.2(DNAH11):c.13523_13543dup (p.Leu4514_Glu4515insAlaGlyValAlaLeuLeuLeu)

Genes: DNAH11 (dynein axonemal heavy chain 11; plus strand), CDCA7L (cell division cycle associated 7 like; minus strand). Cytogenetic location: 7p15.3.
Variant type: Duplication.
Coding change: c.13523_13543dup on transcript NM_001277115.2 (MANE Select); coding-DNA positions 13523 to 13543, 21 bases duplicated (CTGGAGTGGCTCTGCTTCTAG).
Protein change: p.Leu4514_Glu4515insAlaGlyValAlaLeuLeuLeu.
Molecular consequence: inframe insertion. On other transcripts: 3 prime UTR variant (3).
Genome position (GRCh38, 1-based): chr7:21,901,226-21,901,246, CTGGAGTGGCTCTGCTTCTAG duplicated; duplicating any 21 consecutive bases within chr7:21,901,225-21,901,246 gives the same sequence; the c. name uses the placement nearest the transcript's 3' end. VCF-style (leftmost placement, unchanged base first): chr7-21901224-G-GGCTGGAGTGGCTCTGCTTCTA. GRCh37 (hg19) VCF-style: chr7-21940842-G-GGCTGGAGTGGCTCTGCTTCTA.
Other names: c.*1077_*1097dup (NM_001127370.3, NM_001127371.3, NM_018719.5).
Identifiers: ClinVar variation 827635 (VCV000827635.4), dbSNP rs1784814248, ClinGen allele CA1139659993.